The following is an entry in ClinVar:

ClinVar aggregate classification (germline): Uncertain significance (1 of 4 stars; one submission).

Submission:

GeneDx
Classification: Uncertain significance. Last evaluated: 2023-03-27. Review status: criteria provided, single submitter. Criteria: GeneDx Variant Classification Process June 2021. Collection method: clinical testing. Allele origin: germline. Affected: yes.
Comment: Not observed at significant frequency in large population cohorts (gnomAD); In silico analysis supports that this missense variant does not alter protein structure/function; Not located in the triple helical region, where the majority of pathogenic missense variants occur (HGMD; Acke et al., 2014); Has not been previously published as pathogenic or benign to our knowledge; This variant is associated with the following publications: (PMID: 25240749)

NM_001854.4(COL11A1):c.1232T>C (p.Ile411Thr)

Gene: COL11A1 (collagen type XI alpha 1 chain; minus strand). Cytogenetic location: 1p21.1.
Variant type: single nucleotide variant.
Coding change: c.1232T>C on transcript NM_001854.4 (MANE Select); coding-DNA position 1232, T replaced by C.
Protein change: p.Ile411Thr; replaces isoleucine 411 with threonine.
Molecular consequence: missense variant. On other transcripts: non-coding transcript variant (1), intron variant (1).
Genome position (GRCh38, 1-based): chr1:103,022,755, A>G on the plus strand (T>C on the coding strand, the complement: COL11A1 is on the minus strand). VCF-style: chr1-103022755-A-G. GRCh37 (hg19) VCF-style: chr1-103488311-A-G.
Other names: c.1115T>C, p.Ile372Thr (NM_001190709.2); c.1268T>C, p.Ile423Thr (NM_080629.3); c.898-986T>C (NM_080630.4); short protein forms I372T, I411T, I423T.
Identifiers: ClinVar variation 2581796 (VCV002581796.1), dbSNP rs1557958969, ClinGen allele CA341154197.